The following is an entry in ClinVar:

NM_006922.4(SCN3A):c.2285T>C (p.Val762Ala)

Gene: SCN3A (sodium voltage-gated channel alpha subunit 3; minus strand). Cytogenetic location: 2q24.3.
Variant type: single nucleotide variant.
Coding change: c.2285T>C on transcript NM_006922.4 (MANE Select); coding-DNA position 2285, T replaced by C.
Protein change: p.Val762Ala; replaces valine 762 with alanine.
Molecular consequence: missense variant.
Genome position (GRCh38, 1-based): chr2:165,137,985, A>G on the plus strand (T>C on the coding strand, the complement: SCN3A is on the minus strand). VCF-style: chr2-165137985-A-G. GRCh37 (hg19) VCF-style: chr2-165994495-A-G.
Other names: c.2138T>C, p.Val713Ala (NM_001081676.2, NM_001081677.2); short protein forms V762A, V713A.
Identifiers: ClinVar variation 2067945 (VCV002067945.5), dbSNP rs374167456, ClinGen allele CA1938984.

ClinVar aggregate classification (germline): Uncertain significance. Review status: criteria provided, multiple submitters, no conflicts (2 of 4 stars). 2 submissions from 2 submitters: Uncertain significance (2). Last evaluated 2024-10-03.

Conditions:
Developmental and epileptic encephalopathy, 62. Also called: Early infantile epileptic encephalopathy 62. Identifiers: MedGen C4693699, MONDO:0033371, OMIM 617938.
Epilepsy, familial focal, with variable foci 4 (FFEVF4). Identifiers: MedGen C4693694, MONDO:0054776, OMIM 617935.

Allele frequency attached by ClinVar (database versions not stated): gnomAD 0.00003; ESP Exome Variant Server 0.00008; ExAC 0.00001; gnomAD exomes below 0.00001; TOPMed 0.00001.
gnomAD v4.1: 8 of 1,613,494 alleles (0.0005%); highest among the groups gnomAD compares: African/African-American, 0.0013%; no homozygotes.

Submissions (2):

Labcorp Genetics (formerly Invitae), Labcorp
Classification: Uncertain significance. Last evaluated: 2024-10-03. Review status: criteria provided, single submitter. Criteria: Invitae Variant Classification Sherloc (09022015). Collection method: clinical testing. Allele origin: germline.
Comment: This sequence change replaces valine, which is neutral and non-polar, with alanine, which is neutral and non-polar, at codon 762 of the SCN3A protein (p.Val762Ala). This variant is present in population databases (rs374167456, gnomAD 0.002%). This variant has not been reported in the literature in individuals affected with SCN3A-related conditions. ClinVar contains an entry for this variant (Variation ID: 2067945). Invitae Evidence Modeling of protein sequence and biophysical properties (such as structural, functional, and spatial information, amino acid conservation, physicochemical variation, residue mobility, and thermodynamic stability) indicates that this missense variant is not expected to disrupt SCN3A protein function with a negative predictive value of 95%. In summary, the available evidence is currently insufficient to determine the role of this variant in disease. Therefore, it has been classified as a Variant of Uncertain Significance.

Fulgent Genetics
Classification: Uncertain significance for Epilepsy, familial focal, with variable foci 4; Developmental and epileptic encephalopathy, 62. Last evaluated: 2024-03-12. Review status: criteria provided, single submitter. Criteria: ACMG Guidelines, 2015. Collection method: clinical testing. Allele origin: germline.